The following is an entry in ClinVar:

NM_022893.4(BCL11A):c.2335T>C (p.Cys779Arg)

Gene: BCL11A (BCL11 transcription factor A; minus strand). Cytogenetic location: 2p16.1.
Variant type: single nucleotide variant.
Coding change: c.2335T>C on transcript NM_022893.4 (MANE Select); coding-DNA position 2335, T replaced by C.
Protein change: p.Cys779Arg; replaces cysteine 779 with arginine.
Molecular consequence: missense variant. On other transcripts: intron variant (13).
Genome position (GRCh38, 1-based): chr2:60,460,577, A>G on the plus strand (T>C on the coding strand, the complement: BCL11A is on the minus strand). VCF-style: chr2-60460577-A-G. GRCh37 (hg19) VCF-style: chr2-60687712-A-G.
Other names: c.2233T>C, p.Cys745Arg (NM_001363864.1, NM_001365609.1, NM_001405711.1 and 1 more transcripts); c.2335T>C, p.Cys779Arg (NM_001405708.1, NM_001405709.1, NM_001405710.1); c.2179T>C, p.Cys727Arg (NM_001405713.1, NM_001405714.1, NM_001405715.1 and 1 more transcripts); c.2077T>C, p.Cys693Arg (NM_001405717.1, NM_001405718.1); c.2002T>C, p.Cys668Arg (NM_001405720.1, NM_001405721.1); c.1879T>C, p.Cys627Arg (NM_001405725.1, NM_001405726.1, NM_001405727.1 and 1 more transcripts); c.1642T>C, p.Cys548Arg (NM_001405729.1); c.630+1705T>C (NM_138559.2, NM_001405732.1); and 9 more; short protein forms C548R, C627R, C668R, C693R, C727R, C745R, C779R.
Identifiers: ClinVar variation 4681866 (VCV004681866.5).

ClinVar aggregate classification (germline): Uncertain significance (1 of 4 stars; one submission).

Submission:

CeGaT Center for Human Genetics Tuebingen
Classification: Uncertain significance. Last evaluated: 2025-12-01. Review status: criteria provided, single submitter. Criteria: CeGaT Center For Human Genetics Tuebingen Variant Classification Criteria Version 2. Collection method: clinical testing. Allele origin: germline. Affected: yes. Observed: 1 variant allele.
Comment: BCL11A: PM2, PP2